The following is an entry in ClinVar:

NM_152383.5(DIS3L2):c.1625A>G (p.Gln542Arg)

Gene: DIS3L2 (DIS3 like 3'-5' exoribonuclease 2; plus strand). Cytogenetic location: 2q37.1.
Variant type: single nucleotide variant.
Coding change: c.1625A>G on transcript NM_152383.5 (MANE Select); coding-DNA position 1625, A replaced by G.
Protein change: p.Gln542Arg; replaces glutamine 542 with arginine.
Molecular consequence: missense variant. On other transcripts: non-coding transcript variant (2), intron variant (1).
Genome position (GRCh38, 1-based): chr2:232,263,406, A>G. VCF-style: chr2-232263406-A-G. GRCh37 (hg19) VCF-style: chr2-233128116-A-G.
Other names: c.1581+44A>G (NM_001257281.2); short protein forms Q542R.
Identifiers: ClinVar variation 2990608 (VCV002990608.3), dbSNP rs752428121, ClinGen allele CA350975718.

ClinVar aggregate classification (germline): Uncertain significance (1 of 4 stars; one submission).

Conditions:
Perlman syndrome (PRLMNS). Identifiers: Orphanet 2849, MedGen C0796113, MONDO:0009965, OMIM 267000.

gnomAD v4.1: 1 of 1,614,172 alleles (0.000062%); highest among the groups gnomAD compares: Non-Finnish European, 0.000085%; no homozygotes.

Submission:

Labcorp Genetics (formerly Invitae), Labcorp
Classification: Uncertain significance for Perlman syndrome. Last evaluated: 2023-10-09. Review status: criteria provided, single submitter. Criteria: Invitae Variant Classification Sherloc (09022015). Collection method: clinical testing. Allele origin: germline.
Comment: This sequence change replaces glutamine, which is neutral and polar, with arginine, which is basic and polar, at codon 542 of the DIS3L2 protein (p.Gln542Arg). This variant is not present in population databases (gnomAD no frequency). This variant has not been reported in the literature in individuals affected with DIS3L2-related conditions. Advanced modeling of protein sequence and biophysical properties (such as structural, functional, and spatial information, amino acid conservation, physicochemical variation, residue mobility, and thermodynamic stability) performed at Invitae indicates that this missense variant is not expected to disrupt DIS3L2 protein function. In summary, the available evidence is currently insufficient to determine the role of this variant in disease. Therefore, it has been classified as a Variant of Uncertain Significance.